The following is an entry in ClinVar:

NM_000548.5(TSC2):c.5161-2A>C

Gene: TSC2 (TSC complex subunit 2; plus strand). Cytogenetic location: 16p13.3.
Variant type: single nucleotide variant.
Coding change: c.5161-2A>C on transcript NM_000548.5 (MANE Select); the canonical splice acceptor site of the intron before coding-DNA position 5161, A replaced by C.
Molecular consequence: splice acceptor variant. On other transcripts: intron variant (1).
Genome position (GRCh38, 1-based): chr16:2,088,225, A>C. VCF-style: chr16-2088225-A-C. GRCh37 (hg19) VCF-style: chr16-2138226-A-C.
Other names: c.3619-2A>C (NM_001406693.1, NM_001406692.1, NM_001406694.1); c.5053-2A>C (NM_001406667.1); c.5050-2A>C (NM_001406668.1); c.4561-2A>C (NM_001406680.1); c.4492-2A>C (NM_001406683.1, NM_001406682.1); c.4360-2A>C (NM_001406687.1, NM_001406688.1); c.3748-2A>C (NM_001406689.1); c.3688-2A>C (NM_001406690.1); and 27 more.
Identifiers: ClinVar variation 4996408 (VCV004996408.1).

ClinVar aggregate classification (germline): Pathogenic (1 of 4 stars; one submission).

Conditions:
TSC2-related disorder. Also called: TSC2-Related Disorders; TSC2-related condition.

Submission:

PreventionGenetics, part of Exact Sciences
Classification: Pathogenic for TSC2-related condition. Last evaluated: 2025-10-08. Review status: criteria provided, single submitter. Criteria: ACMG Guidelines, 2015. Collection method: clinical testing. Allele origin: germline.
Comment: The TSC2 c.5161-2A>C variant is predicted to disrupt the AG splice acceptor site and interfere with normal splicing. To our knowledge, this variant has not been reported in the literature or in a large population database (gnomAD), indicating this variant is rare. At the time of reporting, this variant is absent from the ClinVar database. An alternate nucleotide change at the same genomic position (c.5161-2A>G) has been reported in an individual with tuberous sclerosis (Peron et al. 2018. PubMed ID: 29432982) and additional variants impacting this splice acceptor site (c.5161-1G>A, c.5161-1G>C, c.5161-1G>T) have also been observed in individuals with tuberous sclerosis (see for example: Dabora et al. 2001. PubMed ID: 11112665; Zhang et al. 1999. PubMed ID: 10570911; Bullich et al. 2018. PubMed ID: 29801666). Variants that disrupt the consensus splice acceptor site in TSC2 are expected to be pathogenic. This variant is interpreted as pathogenic.